The following is an entry in ClinVar:

NM_000073.3(CD3G):c.484C>A (p.Pro162Thr)

Gene: CD3G (CD3 gamma subunit of T-cell receptor complex; plus strand). Cytogenetic location: 11q23.3.
Variant type: single nucleotide variant.
Coding change: c.484C>A on transcript NM_000073.3 (MANE Select); coding-DNA position 484, C replaced by A.
Protein change: p.Pro162Thr; replaces proline 162 with threonine.
Molecular consequence: missense variant.
Genome position (GRCh38, 1-based): chr11:118,352,404, C>A. VCF-style: chr11-118352404-C-A. GRCh37 (hg19) VCF-style: chr11-118223119-C-A.
Other names: short protein forms P162T.
Identifiers: ClinVar variation 1492719 (VCV001492719.6), dbSNP rs200624053, ClinGen allele CA6302218.
Genomic context (GRCh38, chr11:118,352,404, plus strand): 5'-GCATCAAATTAATTAATAGAGGATGGAAAAAATGACTTATGACTGTGCTGTCCTTTCCAG[C>A]CCCTCAAGGATCGAGAAGATGACCAGTACAGCCACCTTCAAGGAAACCAGTTGAGGAGGA-3'
Protein context (NP_000064.1, residues 152-172): TLLPNDQLYQ[Pro162Thr]LKDREDDQYS

ClinVar aggregate classification (germline): Uncertain significance (1 of 4 stars; one submission).

Conditions:
Combined immunodeficiency due to CD3gamma deficiency. Also called: Immunodeficiency 17; CD3-GAMMA DEFICIENCY; SCID-LIKE IMMUNODEFICIENCY, T CELL-PARTIAL, B CELL-POSITIVE, NK CELL-POSITIVE; Immunodeficiency 17, CD3 gamma deficient. Identifiers: Orphanet 169082, MedGen C3810107, MONDO:0014276, OMIM 615607.

Allele frequency attached by ClinVar (database versions not stated): ExAC 0.00001; gnomAD exomes 0.00002.
gnomAD v4.1: 20 of 1,613,368 alleles (0.0012%); highest among the groups gnomAD compares: Non-Finnish European, 0.0015%; no homozygotes.

Submission:

Labcorp Genetics (formerly Invitae), Labcorp
Classification: Uncertain significance for Combined immunodeficiency due to CD3gamma deficiency. Last evaluated: 2021-05-21. Review status: criteria provided, single submitter. Criteria: Invitae Variant Classification Sherloc (09022015). Collection method: clinical testing. Allele origin: germline.
Comment: In summary, the available evidence is currently insufficient to determine the role of this variant in disease. Therefore, it has been classified as a Variant of Uncertain Significance. Algorithms developed to predict the effect of missense changes on protein structure and function (SIFT, PolyPhen-2, Align-GVGD) all suggest that this variant is likely to be disruptive, but these predictions have not been confirmed by published functional studies and their clinical significance is uncertain. This variant has not been reported in the literature in individuals with CD3G-related conditions. This variant is present in population databases (rs200624053, ExAC 0.001%). This sequence change replaces proline with threonine at codon 162 of the CD3G protein (p.Pro162Thr). The proline residue is highly conserved and there is a small physicochemical difference between proline and threonine.